The following is an entry in ClinVar:

ClinVar aggregate classification (germline): Uncertain significance (1 of 4 stars; one submission).

Conditions:
Hypercoagulability syndrome due to glycosylphosphatidylinositol deficiency (GPIBD1). Also called: GLYCOSYLPHOSPHATIDYLINOSITOL BIOSYNTHESIS DEFECT 1. Identifiers: Orphanet 83639, MedGen C5201145, MONDO:0012465, OMIM 610293.

Allele frequency attached by ClinVar (database versions not stated): TOPMed below 0.00001; gnomAD 0.00001; gnomAD exomes 0.00001.

Submission:

Labcorp Genetics (formerly Invitae), Labcorp
Classification: Uncertain significance for Hypercoagulability syndrome due to glycosylphosphatidylinositol deficiency. Last evaluated: 2024-10-07. Review status: criteria provided, single submitter. Criteria: Invitae Variant Classification Sherloc (09022015). Collection method: clinical testing. Allele origin: germline.
Comment: This sequence change replaces isoleucine, which is neutral and non-polar, with valine, which is neutral and non-polar, at codon 50 of the PIGM protein (p.Ile50Val). This variant is not present in population databases (gnomAD no frequency). This variant has not been reported in the literature in individuals affected with PIGM-related conditions. ClinVar contains an entry for this variant (Variation ID: 2159191). Invitae Evidence Modeling of protein sequence and biophysical properties (such as structural, functional, and spatial information, amino acid conservation, physicochemical variation, residue mobility, and thermodynamic stability) indicates that this missense variant is not expected to disrupt PIGM protein function with a negative predictive value of 80%. In summary, the available evidence is currently insufficient to determine the role of this variant in disease. Therefore, it has been classified as a Variant of Uncertain Significance.

NM_145167.3(PIGM):c.148A>G (p.Ile50Val)

Gene: PIGM (phosphatidylinositol glycan anchor biosynthesis class M; minus strand). Cytogenetic location: 1q23.2.
Variant type: single nucleotide variant.
Coding change: c.148A>G on transcript NM_145167.3 (MANE Select); coding-DNA position 148, A replaced by G.
Protein change: p.Ile50Val; replaces isoleucine 50 with valine.
Molecular consequence: missense variant.
Genome position (GRCh38, 1-based): chr1:160,031,592, T>C on the plus strand (A>G on the coding strand, the complement: PIGM is on the minus strand). VCF-style: chr1-160031592-T-C. GRCh37 (hg19) VCF-style: chr1-160001382-T-C.
Other names: short protein forms I50V.
Identifiers: ClinVar variation 2159191 (VCV002159191.4), dbSNP rs1195552364, ClinGen allele CA343244930.